The following is an entry in ClinVar:

ClinVar aggregate classification (germline): Benign/Likely benign. Review status: criteria provided, multiple submitters, no conflicts (2 of 4 stars). 8 submissions from 8 submitters: Benign (2); Likely benign (6). Last evaluated 2025-09-21.

Conditions:
Tuberous sclerosis 2 (TSC2). Identifiers: Orphanet 805, MedGen C1860707, MONDO:0013199, OMIM 613254.
Tuberous sclerosis syndrome (TSC). Also called: Tuberous Sclerosis Complex; Tuberous sclerosis. Identifiers: Orphanet 805, MedGen C0041341, MONDO:0001734.
Hereditary cancer-predisposing syndrome. Also called: Hereditary neoplastic syndrome; Tumor predisposition; Neoplastic Syndromes, Hereditary; Hereditary Cancer Syndrome. Identifiers: Orphanet 140162, MedGen C0027672, MeSH D009386, MONDO:0015356.

Allele frequency attached by ClinVar (database versions not stated): gnomAD 0.00001; TOPMed 0.00001; gnomAD exomes 0.00002 and 0.00003; ExAC 0.00003; 1000 Genomes Project 30x 0.00016; 1000 Genomes Project 0.00020.
gnomAD v4.1: 30 of 1,612,462 alleles (0.0019%); highest among the groups gnomAD compares: Middle Eastern, 0.017%; no homozygotes.

Submissions (8):

Labcorp Genetics (formerly Invitae), Labcorp
Classification: Benign for Tuberous sclerosis 2. Last evaluated: 2025-09-21. Review status: criteria provided, single submitter. Criteria: Invitae Variant Classification Sherloc (09022015). Collection method: clinical testing. Allele origin: germline.

Myriad Genetics, Inc.
Classification: Benign for Tuberous sclerosis 2. Last evaluated: 2025-05-09. Review status: criteria provided, single submitter. Criteria: Myriad Autosomal Dominant, Autosomal Recessive and X-Linked Classification Criteria (2023). Collection method: clinical testing. Allele origin: unknown.
Comment: This variant is considered benign. This variant is a silent/synonymous amino acid change and it is not expected to impact splicing.

All of Us Research Program, National Institutes of Health
Classification: Likely benign for Tuberous sclerosis syndrome. Last evaluated: 2023-11-20. Review status: criteria provided, single submitter. Criteria: ACMG Guidelines, 2015. Collection method: clinical testing. Allele origin: germline. Inheritance: Autosomal dominant inheritance. Observed: 1 variant allele, 1 heterozygote.
Comment: This study involves interpretation of variants in research participants for the purpose of population health screening. Participant phenotype was not available at the time of variant classification. Additional details can be found in publication PMID: 35346344, PMCID: PMC8962531

KCCC/NGS Laboratory, Kuwait Cancer Control Center
Classification: Likely benign for Tuberous sclerosis 2. Last evaluated: 2023-07-07. Review status: criteria provided, single submitter. Criteria: ACMG Guidelines, 2015. Collection method: clinical testing. Allele origin: germline. Affected: yes.

CeGaT Center for Human Genetics Tuebingen
Classification: Likely benign. Last evaluated: 2023-06-01. Review status: criteria provided, single submitter. Criteria: CeGaT Center For Human Genetics Tuebingen Variant Classification Criteria Version 2. Collection method: clinical testing. Allele origin: germline. Affected: yes. Observed: 2 variant alleles.
Comment: TSC2: BP4, BP7

Blueprint Genetics
Classification: Likely benign. Last evaluated: 2023-03-10. Review status: criteria provided, single submitter. Criteria: ACMG Guidelines, 2015. Collection method: clinical testing. Allele origin: germline.

Color Diagnostics, LLC DBA Color Health
Classification: Likely benign for Tuberous sclerosis syndrome. Last evaluated: 2022-09-13. Review status: criteria provided, single submitter. Criteria: ACMG Guidelines, 2015. Collection method: clinical testing. Allele origin: germline.

Ambry Genetics
Classification: Likely benign for Hereditary cancer-predisposing syndrome. Last evaluated: 2022-02-15. Review status: criteria provided, single submitter. Criteria: Ambry Variant Classification Scheme 2023. Collection method: clinical testing. Allele origin: germline.

NM_000548.5(TSC2):c.711G>A (p.Pro237=)

Gene: TSC2 (TSC complex subunit 2; plus strand). Cytogenetic location: 16p13.3.
Variant type: single nucleotide variant.
Coding change: c.711G>A on transcript NM_000548.5 (MANE Select); coding-DNA position 711, G replaced by A.
Protein change: p.Pro237=; no amino-acid change (proline 237 retained).
Molecular consequence: synonymous variant.
Genome position (GRCh38, 1-based): chr16:2,056,706, G>A. VCF-style: chr16-2056706-G-A. GRCh37 (hg19) VCF-style: chr16-2106707-G-A.
Other names: c.711G>A (NM_000548.4); c.711G>A, p.Pro237= (NM_001077183.3, NM_001114382.3, NM_001363528.2 and 3 more transcripts); c.600G>A, p.Pro200= (NM_001318827.2); c.564G>A, p.Pro188= (NM_001318829.2); c.111G>A, p.Pro37= (NM_001318831.2); c.744G>A, p.Pro248= (NM_001318832.2).
Identifiers: ClinVar variation 468177 (VCV000468177.41), dbSNP rs189380607, ClinGen allele CA056185.